The following is an entry in ClinVar:

ClinVar aggregate classification (germline): Uncertain significance (1 of 4 stars; one submission).

Conditions:
Emery-Dreifuss muscular dystrophy 5, autosomal dominant (EDMD5). Also called: EMERY-DREIFUSS MUSCULAR DYSTROPHY 5. Identifiers: Orphanet 261, MedGen C2751805, MONDO:0013072, OMIM 612999.

Submission:

Labcorp Genetics (formerly Invitae), Labcorp
Classification: Uncertain significance for Emery-Dreifuss muscular dystrophy 5, autosomal dominant. Last evaluated: 2024-06-16. Review status: criteria provided, single submitter. Criteria: Invitae Variant Classification Sherloc (09022015). Collection method: clinical testing. Allele origin: germline.
Comment: This sequence change replaces phenylalanine, which is neutral and non-polar, with leucine, which is neutral and non-polar, at codon 3111 of the SYNE2 protein (p.Phe3111Leu). This variant is not present in population databases (gnomAD no frequency). This variant has not been reported in the literature in individuals affected with SYNE2-related conditions. Algorithms developed to predict the effect of missense changes on protein structure and function output the following: SIFT: "Not Available"; PolyPhen-2: "Benign"; Align-GVGD: "Not Available". The leucine amino acid residue is found in multiple mammalian species, which suggests that this missense change does not adversely affect protein function. In summary, the available evidence is currently insufficient to determine the role of this variant in disease. Therefore, it has been classified as a Variant of Uncertain Significance.

NM_182914.3(SYNE2):c.9331T>C (p.Phe3111Leu)

Gene: SYNE2 (spectrin repeat containing nuclear envelope protein 2; plus strand). Cytogenetic location: 14q23.2.
Variant type: single nucleotide variant.
Coding change: c.9331T>C on transcript NM_182914.3 (MANE Select); coding-DNA position 9331, T replaced by C.
Protein change: p.Phe3111Leu; replaces phenylalanine 3111 with leucine.
Molecular consequence: missense variant.
Genome position (GRCh38, 1-based): chr14:64,053,244, T>C. VCF-style: chr14-64053244-T-C. GRCh37 (hg19) VCF-style: chr14-64519962-T-C.
Other names: c.9331T>C, p.Phe3111Leu (NM_015180.6); short protein forms F3111L.
Identifiers: ClinVar variation 3668164 (VCV003668164.2).